The following is an entry in ClinVar:

ClinVar aggregate classification (germline): Uncertain significance (1 of 4 stars; one submission).

Conditions:
Severe early-onset pulmonary alveolar proteinosis due to MARS deficiency. Also called: PULMONARY ALVEOLAR PROTEINOSIS, REUNION ISLAND; Interstitial lung and liver disease. Identifiers: Orphanet 440427, MedGen C4225400, MONDO:0014206, OMIM 615486.
Charcot-Marie-Tooth disease axonal type 2U. Also called: CHARCOT-MARIE-TOOTH NEUROPATHY, TYPE 2U; CHARCOT-MARIE-TOOTH DISEASE, AXONAL, AUTOSOMAL DOMINANT, TYPE 2U. Identifiers: Orphanet 397735, MedGen C4084821, MONDO:0014566, OMIM 616280.

gnomAD v4.1: 8 of 1,614,066 alleles (0.0005%); highest among the groups gnomAD compares: African/African-American, 0.0027%; no homozygotes.

Submission:

Labcorp Genetics (formerly Invitae), Labcorp
Classification: Uncertain significance for Charcot-Marie-Tooth disease axonal type 2U; Severe early-onset pulmonary alveolar proteinosis due to MARS deficiency. Last evaluated: 2025-08-22. Review status: criteria provided, single submitter. Criteria: Invitae Variant Classification Sherloc (09022015). Collection method: clinical testing. Allele origin: germline.
Comment: This sequence change replaces arginine, which is basic and polar, with glutamine, which is neutral and polar, at codon 388 of the MARS protein (p.Arg388Gln). This variant is not present in population databases (gnomAD no frequency). This variant has not been reported in the literature in individuals affected with MARS-related conditions. An algorithm developed to predict the effect of missense changes on protein structure and function (PolyPhen-2) suggests that this variant is likely to be tolerated. In summary, the available evidence is currently insufficient to determine the role of this variant in disease. Therefore, it has been classified as a Variant of Uncertain Significance.

NM_004990.4(MARS1):c.1163G>A (p.Arg388Gln)

Gene: MARS1 (methionyl-tRNA synthetase 1; plus strand). Cytogenetic location: 12q13.3.
Variant type: single nucleotide variant.
Coding change: c.1163G>A on transcript NM_004990.4 (MANE Select); coding-DNA position 1163, G replaced by A.
Protein change: p.Arg388Gln; replaces arginine 388 with glutamine.
Molecular consequence: missense variant.
Genome position (GRCh38, 1-based): chr12:57,500,392, G>A. VCF-style: chr12-57500392-G-A. GRCh37 (hg19) VCF-style: chr12-57894175-G-A.
Other names: short protein forms R388Q.
Identifiers: ClinVar variation 4789091 (VCV004789091.1).